The following is an entry in ClinVar:

NM_012295.4(CABIN1):c.1486G>A (p.Gly496Ser)

Gene: CABIN1 (calcineurin binding protein 1; plus strand). Cytogenetic location: 22q11.23.
Variant type: single nucleotide variant.
Coding change: c.1486G>A on transcript NM_012295.4 (MANE Select); coding-DNA position 1486, G replaced by A.
Protein change: p.Gly496Ser; replaces glycine 496 with serine.
Molecular consequence: missense variant.
Genome position (GRCh38, 1-based): chr22:24,060,010, G>A. VCF-style: chr22-24060010-G-A. GRCh37 (hg19) VCF-style: chr22-24456473-G-A.
Other names: c.1486G>A, p.Gly496Ser (NM_001199281.1); c.1336G>A, p.Gly446Ser (NM_001201429.2); short protein forms G446S, G496S.
Identifiers: ClinVar variation 722445 (VCV000722445.6), dbSNP rs140878813, ClinGen allele CA10148631.

ClinVar aggregate classification (germline): Likely benign. Review status: criteria provided, multiple submitters, no conflicts (2 of 4 stars). 3 submissions from 3 submitters: Likely benign (2). 1 of the submissions does not count toward it. Last evaluated 2018-04-12.

Conditions:
CABIN1-related disorder. Also called: CABIN1-related condition.

Allele frequency attached by ClinVar (database versions not stated): gnomAD exomes 0.00019 and 0.00049; ExAC 0.00061; gnomAD 0.00198 and 0.00209; ESP Exome Variant Server 0.00208; TOPMed 0.00223; 1000 Genomes Project 0.00280; 1000 Genomes Project 30x 0.00328.
gnomAD v4.1: 595 of 1,614,156 alleles (0.037%); highest among the groups gnomAD compares: African/African-American, 0.64%; 3 homozygotes.

Submissions (3):

Labcorp Genetics (formerly Invitae), Labcorp
Classification: Likely benign. Last evaluated: 2018-04-12. Review status: criteria provided, single submitter. Criteria: Invitae Variant Classification Sherloc (09022015). Collection method: clinical testing. Allele origin: germline.

Breakthrough Genomics
Classification: Likely benign. Review status: criteria provided, single submitter. Criteria: ACMG Guidelines, 2015. Collection method: not provided. Allele origin: germline. Inheritance: Unknown mechanism. Affected: yes.

PreventionGenetics, part of Exact Sciences
Classification: Likely benign for CABIN1-related condition. Last evaluated: 2021-01-18. Review status: no assertion criteria provided. Collection method: clinical testing. Allele origin: germline. Not counted in ClinVar's aggregate classification.
Comment: This variant is classified as likely benign based on ACMG/AMP sequence variant interpretation guidelines (Richards et al. 2015 PMID: 25741868, with internal and published modifications).